The following is an entry in ClinVar:

NM_000368.5(TSC1):c.1563G>A (p.Ser521=)

Gene: TSC1 (TSC complex subunit 1; minus strand). Cytogenetic location: 9q34.13.
Variant type: single nucleotide variant.
Coding change: c.1563G>A on transcript NM_000368.5 (MANE Select); coding-DNA position 1563, G replaced by A.
Protein change: p.Ser521=; no amino-acid change (serine 521 retained).
Molecular consequence: synonymous variant.
Genome position (GRCh38, 1-based): chr9:132,906,015, C>T on the plus strand (G>A on the coding strand, the complement: TSC1 is on the minus strand). VCF-style: chr9-132906015-C-T. GRCh37 (hg19) VCF-style: chr9-135781402-C-T.
Other names: c.1560G>A, p.Ser520= (NM_001162426.2); c.1410G>A, p.Ser470= (NM_001162427.2); c.1200G>A, p.Ser400= (NM_001362177.2).
Identifiers: ClinVar variation 466033 (VCV000466033.22), dbSNP rs1554816005, ClinGen allele CA467591002.

ClinVar aggregate classification (germline): Benign/Likely benign. Review status: criteria provided, multiple submitters, no conflicts (2 of 4 stars). 6 submissions from 6 submitters: Benign (2); Likely benign (4). Last evaluated 2025-08-29.

Conditions:
Hereditary cancer-predisposing syndrome. Also called: Hereditary neoplastic syndrome; Neoplastic Syndromes, Hereditary; Tumor predisposition; Hereditary Cancer Syndrome. Identifiers: Orphanet 140162, MedGen C0027672, MeSH D009386, MONDO:0015356.
Tuberous sclerosis 1 (TSC1). Identifiers: Orphanet 805, MedGen C1854465, MONDO:0008612, OMIM 191100.

Allele frequency attached by ClinVar (database versions not stated): gnomAD exomes below 0.00001; TOPMed below 0.00001.

Submissions (6):

Labcorp Genetics (formerly Invitae), Labcorp
Classification: Likely benign for Tuberous sclerosis 1. Last evaluated: 2025-08-29. Review status: criteria provided, single submitter. Criteria: Invitae Variant Classification Sherloc (09022015). Collection method: clinical testing. Allele origin: germline.

Myriad Genetics, Inc.
Classification: Benign for Tuberous sclerosis 1. Last evaluated: 2025-04-10. Review status: criteria provided, single submitter. Criteria: Myriad Autosomal Dominant, Autosomal Recessive and X-Linked Classification Criteria (2023). Collection method: clinical testing. Allele origin: unknown.
Comment: This variant is considered benign. This variant is a silent/synonymous amino acid change and it is not expected to impact splicing.

Genome-Nilou Lab
Classification: Benign for Tuberous sclerosis 1. Last evaluated: 2021-11-07. Review status: criteria provided, single submitter. Criteria: ACMG Guidelines, 2015. Collection method: clinical testing. Allele origin: germline. Affected: no.

Sema4
Classification: Likely benign for Hereditary cancer-predisposing syndrome. Last evaluated: 2020-08-25. Review status: criteria provided, single submitter. Criteria: Sema4 Curation Guidelines. Collection method: curation. Allele origin: germline.

GeneDx
Classification: Likely benign. Last evaluated: 2019-11-14. Review status: criteria provided, single submitter. Criteria: GeneDx Variant Classification Process June 2021. Collection method: clinical testing. Allele origin: germline. Affected: yes.

Ambry Genetics
Classification: Likely benign for Hereditary cancer-predisposing syndrome. Last evaluated: 2017-04-17. Review status: criteria provided, single submitter. Criteria: Ambry Variant Classification Scheme 2023. Collection method: clinical testing. Allele origin: germline.